The following is an entry in ClinVar:

NM_000238.4(KCNH2):c.1636G>A (p.Gly546Ser)

Gene: KCNH2 (potassium voltage-gated channel subfamily H member 2; minus strand). Cytogenetic location: 7q36.1.
Variant type: single nucleotide variant.
Coding change: c.1636G>A on transcript NM_000238.4 (MANE Select); coding-DNA position 1636, G replaced by A.
Protein change: p.Gly546Ser; replaces glycine 546 with serine.
Molecular consequence: missense variant. On other transcripts: non-coding transcript variant (2).
Genome position (GRCh38, 1-based): chr7:150,951,757, C>T on the plus strand (G>A on the coding strand, the complement: KCNH2 is on the minus strand). VCF-style: chr7-150951757-C-T. GRCh37 (hg19) VCF-style: chr7-150648845-C-T.
Other names: c.616G>A, p.Gly206Ser (NM_001204798.2, NM_172057.3); c.1348G>A, p.Gly450Ser (NM_001406753.1, NM_001406756.1); c.1459G>A, p.Gly487Ser (NM_001406755.1); c.1336G>A, p.Gly446Ser (NM_001406757.1); c.1636G>A, p.Gly546Ser (NM_172056.3); short protein forms G206S, G446S, G450S, G487S, G546S.
Identifiers: ClinVar variation 3073915 (VCV003073915.1), dbSNP rs2486039561, ClinGen allele CA369858999.

ClinVar aggregate classification (germline): Uncertain significance (1 of 4 stars; one submission).

Conditions:
Long QT syndrome (LQTS). Identifiers: MedGen C0023976, MeSH D008133, MONDO:0002442. Disease mechanism: loss of function. Inheritance: Various modes of inheritance.

Allele frequency attached by ClinVar (database versions not stated): gnomAD exomes below 0.00001.

Submission:

All of Us Research Program, National Institutes of Health
Classification: Uncertain significance for Long QT syndrome. Last evaluated: 2023-11-30. Review status: criteria provided, single submitter. Criteria: ACMG Guidelines, 2015. Collection method: clinical testing. Allele origin: germline. Inheritance: Autosomal dominant inheritance. Observed: 1 variant allele, 1 heterozygote.
Comment: This study involves interpretation of variants in research participants for the purpose of population health screening. Participant phenotype was not available at the time of variant classification. Additional details can be found in publication PMID: 35346344, PMCID: PMC8962531